The following is an entry in ClinVar:

ClinVar aggregate classification (germline): Benign/Likely benign. Review status: criteria provided, multiple submitters, no conflicts (2 of 4 stars). 4 submissions from 4 submitters: Benign (2); Likely benign (2). Last evaluated 2026-01-28.

Conditions:
Developmental and epileptic encephalopathy, 30 (DEE30). Also called: Epileptic encephalopathy, early infantile, 30. Identifiers: MedGen C4225360, MONDO:0014595, OMIM 616341.
Inborn genetic diseases. Identifiers: MedGen C0950123, MeSH D030342.

Allele frequency attached by ClinVar (database versions not stated): ExAC 0.00062; 1000 Genomes Project 0.00080; gnomAD 0.00195; ESP Exome Variant Server 0.00208; gnomAD exomes 0.00044.

Submissions (4):

Labcorp Genetics (formerly Invitae), Labcorp
Classification: Likely benign for Developmental and epileptic encephalopathy, 30. Last evaluated: 2026-01-28. Review status: criteria provided, single submitter. Criteria: Invitae Variant Classification Sherloc (09022015). Collection method: clinical testing. Allele origin: germline.

CeGaT Center for Human Genetics Tuebingen
Classification: Benign. Last evaluated: 2024-08-01. Review status: criteria provided, single submitter. Criteria: CeGaT Center For Human Genetics Tuebingen Variant Classification Criteria Version 2. Collection method: clinical testing. Allele origin: germline. Affected: yes. Observed: 2 variant alleles.
Comment: SIK1: BS1, BS2

Blueprint Genetics
Classification: Likely benign. Last evaluated: 2024-06-05. Review status: criteria provided, single submitter. Criteria: ACMG Guidelines, 2015. Collection method: clinical testing. Allele origin: germline.

Ambry Genetics
Classification: Benign for Inborn genetic diseases. Last evaluated: 2018-12-18. Review status: criteria provided, single submitter. Criteria: Ambry Variant Classification Scheme 2023. Collection method: clinical testing. Allele origin: germline.

NM_173354.5(SIK1):c.859_861del (p.Pro287del)

Gene: SIK1 (salt inducible kinase 1; minus strand). Cytogenetic location: 21q22.3.
Variant type: Deletion.
Coding change: c.859_861del on transcript NM_173354.5 (MANE Select); coding-DNA positions 859 to 861, 3 bases deleted (CCC; older notation c.859_861delCCC).
Protein change: p.Pro287del; deletes proline 287.
Molecular consequence: inframe deletion.
Genome position (GRCh38, 1-based): chr21:43,420,345-43,420,347, GGG deleted on the plus strand (CCC on the coding strand, the reverse complement: SIK1 is on the minus strand). VCF-style (leftmost placement, unchanged base first): chr21-43420344-CGGG-C. GRCh37 (hg19) VCF-style: chr21-44840224-CGGG-C.
Other names: c.859_861del (NM_173354.3); short protein forms P287del.
Identifiers: ClinVar variation 542718 (VCV000542718.40), dbSNP rs374476526, ClinGen allele CA321326844.
Genomic context (GRCh38, chr21:43,420,344, plus strand): 5'-CCTGCTCATCGTAGTCGCCCAGGTTGGAGGTGTAGCTGTGTGCGGAGAAGGCGGGGCAGG[CGGG>C]TCCCGGCAAGCAGGGCTCAGCCCGCATCCACCGGTGCTGCCGGATCTGGGCGATGGTGAT-3'